The following is an entry in ClinVar:

NM_024675.4(PALB2):c.2952T>C (p.Leu984=)

Gene: PALB2 (partner and localizer of BRCA2; minus strand). Cytogenetic location: 16p12.2.
Variant type: single nucleotide variant.
Coding change: c.2952T>C on transcript NM_024675.4 (MANE Select); coding-DNA position 2952, T replaced by C.
Protein change: p.Leu984=; no amino-acid change (leucine 984 retained).
Molecular consequence: synonymous variant. On other transcripts: intron variant (1).
Genome position (GRCh38, 1-based): chr16:23,623,013, A>G on the plus strand (T>C on the coding strand, the complement: PALB2 is on the minus strand). VCF-style: chr16-23623013-A-G. GRCh37 (hg19) VCF-style: chr16-23634334-A-G.
Other names: c.2892T>C, p.Leu964= (NM_001407296.1); c.2880T>C, p.Leu960= (NM_001407297.1); c.2790T>C, p.Leu930= (NM_001407298.1, NM_001407302.1); c.2952T>C, p.Leu984= (NM_001407299.1, NM_001407301.1); c.2067T>C, p.Leu689= (NM_001407304.1, NM_001407305.1, NM_001407306.1 and 4 more transcripts); c.1905T>C, p.Leu635= (NM_001407307.1); c.1164T>C, p.Leu388= (NM_001407312.1, NM_001407313.1); c.486T>C, p.Leu162= (NM_001407314.1); and 1 more.
Identifiers: ClinVar variation 3903802 (VCV003903802.1).
Genomic context (GRCh38, chr16:23,623,013, plus strand): 5'-TCAATGCTTTTCTTACCCTCCATCTTCTGCAAACGTCATGACTTCTACTTGTTGATCAGA[A>G]AGGGTCCCACTGCTACTAACTAGCCTCCTCTTTGTCAGGCCAAGCACAGCTTTTATATTT-3'
Protein context (NP_078951.2, residues 974-994): KRRLVSSSGT[Leu984=]SDQQVEVMTF

ClinVar aggregate classification (germline): Benign (1 of 4 stars; one submission).

Conditions:
Familial cancer of breast. Also called: Hereditary breast cancer; hereditary breast carcinoma; BREAST CANCER, FAMILIAL. Identifiers: Orphanet 227535, MedGen C0346153, MONDO:0016419, OMIM 114480. Disease mechanism: loss of function.

Submission:

Myriad Genetics, Inc.
Classification: Benign for Familial cancer of breast. Last evaluated: 2025-01-21. Review status: criteria provided, single submitter. Criteria: Myriad Autosomal Dominant, Autosomal Recessive and X-Linked Classification Criteria (2023). Collection method: clinical testing. Allele origin: unknown.
Comment: This variant is considered benign. This variant is a silent/synonymous amino acid change and it is not expected to impact splicing.